The following is an entry in ClinVar:

ClinVar aggregate classification (germline): Uncertain significance (1 of 4 stars; one submission).

Conditions:
Neurofibromatosis, type 1 (NF1). Also called: VON RECKLINGHAUSEN DISEASE; Neurofibromatosis, type I; NEUROFIBROMATOSIS, TYPE I, SOMATIC; Peripheral type neurofibromatosis. Identifiers: Orphanet 636, MedGen C0027831, MONDO:0018975, OMIM 162200. Disease mechanism: loss of function.

Submission:

Labcorp Genetics (formerly Invitae), Labcorp
Classification: Uncertain significance for Neurofibromatosis, type 1. Last evaluated: 2025-06-03. Review status: criteria provided, single submitter. Criteria: Invitae Variant Classification Sherloc (09022015). Collection method: clinical testing. Allele origin: germline.
Comment: This sequence change replaces proline, which is neutral and non-polar, with histidine, which is basic and polar, at codon 2737 of the NF1 protein (p.Pro2737His). This variant is not present in population databases (gnomAD no frequency). This variant has not been reported in the literature in individuals affected with NF1-related conditions. Invitae Evidence Modeling of protein sequence and biophysical properties (such as structural, functional, and spatial information, amino acid conservation, physicochemical variation, residue mobility, and thermodynamic stability) has been performed for this missense variant. However, the output from this modeling did not meet the statistical confidence thresholds required to predict the impact of this variant on NF1 protein function. In summary, the available evidence is currently insufficient to determine the role of this variant in disease. Therefore, it has been classified as a Variant of Uncertain Significance.

NM_001042492.3(NF1):c.8273C>A (p.Pro2758His)

Gene: NF1 (neurofibromin 1; plus strand). Cytogenetic location: 17q11.2.
Variant type: single nucleotide variant.
Coding change: c.8273C>A on transcript NM_001042492.3 (MANE Select); coding-DNA position 8273, C replaced by A.
Protein change: p.Pro2758His; replaces proline 2758 with histidine.
Molecular consequence: missense variant.
Genome position (GRCh38, 1-based): chr17:31,360,599, C>A. VCF-style: chr17-31360599-C-A. GRCh37 (hg19) VCF-style: chr17-29687617-C-A.
Other names: c.8210C>A, p.Pro2737His (NM_000267.4); short protein forms P2737H, P2758H.
Identifiers: ClinVar variation 4800814 (VCV004800814.1).